The following is an entry in ClinVar:

NM_000136.3(FANCC):c.1200C>G (p.Phe400Leu)

Genes: AOPEP (aminopeptidase O (putative); plus strand), FANCC (FA complementation group C; minus strand). Cytogenetic location: 9q22.32.
Variant type: single nucleotide variant.
Coding change: c.1200C>G on transcript NM_000136.3 (MANE Select); coding-DNA position 1200, C replaced by G.
Protein change: p.Phe400Leu; replaces phenylalanine 400 with leucine.
Molecular consequence: missense variant.
Genome position (GRCh38, 1-based): chr9:95,111,592, G>C on the plus strand (C>G on the coding strand, the complement: FANCC is on the minus strand). VCF-style: chr9-95111592-G-C. GRCh37 (hg19) VCF-style: chr9-97873874-G-C.
Other names: c.1200C>G, p.Phe400Leu (NM_001243743.2, NM_001243744.2); short protein forms F400L.
Identifiers: ClinVar variation 1747350 (VCV001747350.2), dbSNP rs767215159, ClinGen allele CA374107485.

ClinVar aggregate classification (germline): Uncertain significance (1 of 4 stars; one submission).

Conditions:
Hereditary cancer-predisposing syndrome. Also called: Hereditary Cancer Syndrome; Neoplastic Syndromes, Hereditary; Tumor predisposition; Hereditary neoplastic syndrome. Identifiers: Orphanet 140162, MedGen C0027672, MeSH D009386, MONDO:0015356.

Submission:

Ambry Genetics
Classification: Uncertain significance for Hereditary cancer-predisposing syndrome. Last evaluated: 2020-11-25. Review status: criteria provided, single submitter. Criteria: Ambry Variant Classification Scheme 2023. Collection method: clinical testing. Allele origin: germline.
Comment: The p.F400L variant (also known as c.1200C>G), located in coding exon 12 of the FANCC gene, results from a C to G substitution at nucleotide position 1200. The phenylalanine at codon 400 is replaced by leucine, an amino acid with highly similar properties. This amino acid position is highly conserved in available vertebrate species. In addition, the in silico prediction for this alteration is inconclusive. Since supporting evidence is limited at this time, the clinical significance of this alteration remains unclear.